The following is an entry in ClinVar:

NM_022081.6(HPS4):c.1177C>T (p.Pro393Ser)

Gene: HPS4 (HPS4 biogenesis of lysosomal organelles complex 3 subunit 2; minus strand). Cytogenetic location: 22q12.1.
Variant type: single nucleotide variant.
Coding change: c.1177C>T on transcript NM_022081.6 (MANE Select); coding-DNA position 1177, C replaced by T.
Protein change: p.Pro393Ser; replaces proline 393 with serine.
Molecular consequence: missense variant. On other transcripts: non-coding transcript variant (8).
Genome position (GRCh38, 1-based): chr22:26,464,453, G>A on the plus strand (C>T on the coding strand, the complement: HPS4 is on the minus strand). VCF-style: chr22-26464453-G-A. GRCh37 (hg19) VCF-style: chr22-26860419-G-A.
Other names: c.1177C>T, p.Pro393Ser (NM_001349896.1, NM_001349898.2, NM_001349899.2 and 4 more transcripts); c.1231C>T, p.Pro411Ser (NM_001349900.2, NM_001349901.1); c.1162C>T, p.Pro388Ser (NM_152841.2); c.1177C>T (NM_022081.5); short protein forms P388S, P393S, P411S.
Identifiers: ClinVar variation 1594023 (VCV001594023.10), dbSNP rs375526010, ClinGen allele CA10163385.

ClinVar aggregate classification (germline): Benign. Review status: criteria provided, single submitter (1 of 4 stars). 2 submissions from 2 submitters: Benign (1). 1 of the submissions does not count toward it. Last evaluated 2025-11-25.

Conditions:
HPS4-related disorder. Also called: HPS4-related condition.

Allele frequency attached by ClinVar (database versions not stated): gnomAD 0.00002 and 0.00013; TOPMed 0.00004; gnomAD exomes 0.00015 and 0.00029; ExAC 0.00037; 1000 Genomes Project 30x 0.00078; 1000 Genomes Project 0.00100.

Submissions (2):

Labcorp Genetics (formerly Invitae), Labcorp
Classification: Benign. Last evaluated: 2025-11-25. Review status: criteria provided, single submitter. Criteria: Invitae Variant Classification Sherloc (09022015). Collection method: clinical testing. Allele origin: germline.

PreventionGenetics, part of Exact Sciences
Classification: Likely benign for HPS4-related condition. Last evaluated: 2023-12-21. Review status: no assertion criteria provided. Collection method: clinical testing. Allele origin: germline. Not counted in ClinVar's aggregate classification.
Comment: This variant is classified as likely benign based on ACMG/AMP sequence variant interpretation guidelines (Richards et al. 2015 PMID: 25741868, with internal and published modifications).